The following is an entry in ClinVar:

ClinVar aggregate classification (germline): Uncertain significance (1 of 4 stars; one submission).

Conditions:
Alstrom syndrome (ALMS). Identifiers: Orphanet 64, MedGen C0268425, MONDO:0008763, OMIM 203800.

Submission:

Labcorp Genetics (formerly Invitae), Labcorp
Classification: Uncertain significance for Alstrom syndrome. Last evaluated: 2022-09-06. Review status: criteria provided, single submitter. Criteria: Invitae Variant Classification Sherloc (09022015). Collection method: clinical testing. Allele origin: germline.
Comment: In summary, the available evidence is currently insufficient to determine the role of this variant in disease. Therefore, it has been classified as a Variant of Uncertain Significance. This sequence change replaces glutamic acid, which is acidic and polar, with aspartic acid, which is acidic and polar, at codon 2470 of the ALMS1 protein (p.Glu2470Asp). This variant is not present in population databases (gnomAD no frequency). This variant has not been reported in the literature in individuals affected with ALMS1-related conditions. Experimental studies and prediction algorithms are not available or were not evaluated, and the functional significance of this variant is currently unknown.

NM_001378454.1(ALMS1):c.7407G>T (p.Glu2469Asp)

Gene: ALMS1 (ALMS1 centrosome and basal body associated protein; plus strand). Cytogenetic location: 2p13.1.
Variant type: single nucleotide variant.
Coding change: c.7407G>T on transcript NM_001378454.1 (MANE Select); coding-DNA position 7407, G replaced by T.
Protein change: p.Glu2469Asp; replaces glutamic acid 2469 with aspartic acid.
Molecular consequence: missense variant.
Genome position (GRCh38, 1-based): chr2:73,453,934, G>T. VCF-style: chr2-73453934-G-T. GRCh37 (hg19) VCF-style: chr2-73681061-G-T.
Other names: c.7410G>T, p.Glu2470Asp (NM_015120.4); short protein forms E2470D, E2469D.
Identifiers: ClinVar variation 2051014 (VCV002051014.4), dbSNP rs2466112606, ClinGen allele CA347292405.